The following is an entry in ClinVar:

NM_006531.5(IFT88):c.1882G>T (p.Ala628Ser)

Gene: IFT88 (intraflagellar transport 88; plus strand). Cytogenetic location: 13q12.11.
Variant type: single nucleotide variant.
Coding change: c.1882G>T on transcript NM_006531.5 (MANE Select); coding-DNA position 1882, G replaced by T.
Protein change: p.Ala628Ser; replaces alanine 628 with serine.
Molecular consequence: missense variant. On other transcripts: non-coding transcript variant (4).
Genome position (GRCh38, 1-based): chr13:20,644,891, G>T. VCF-style: chr13-20644891-G-T. GRCh37 (hg19) VCF-style: chr13-21219030-G-T.
Other names: c.1825G>T, p.Ala609Ser (NM_001318491.2, NM_001353575.2); c.1909G>T, p.Ala637Ser (NM_001318493.2, NM_001353565.2, NM_001353566.2 and 2 more transcripts); c.1882G>T, p.Ala628Ser (NM_001353568.2, NM_001353572.2); c.1807G>T, p.Ala603Ser (NM_001353569.2, NM_001353570.2, NM_001353576.2 and 1 more transcripts); c.1780G>T, p.Ala594Ser (NM_001353571.2, NM_001353578.2); c.1738G>T, p.Ala580Ser (NM_001353573.2); c.1723G>T, p.Ala575Ser (NM_001353574.2); c.1249G>T, p.Ala417Ser (NM_001353579.2); and 1 more; short protein forms A575S, A594S, A637S, A580S, A603S, A417S, A609S, A628S.
Identifiers: ClinVar variation 1410316 (VCV001410316.7), dbSNP rs143955467, ClinGen allele CA6905562.

ClinVar aggregate classification (germline): Uncertain significance. Review status: criteria provided, multiple submitters, no conflicts (2 of 4 stars). 2 submissions from 2 submitters: Uncertain significance (2). Last evaluated 2025-12-25.

Allele frequency attached by ClinVar (database versions not stated): gnomAD 0.00010 and 0.00011; gnomAD exomes 0.00010 and 0.00013; ESP Exome Variant Server 0.00015; ExAC 0.00017; TOPMed 0.00018.
gnomAD v4.1: 176 of 1,605,730 alleles (0.011%); highest among the groups gnomAD compares: Middle Eastern, 0.1%; no homozygotes.

Submissions (2):

Labcorp Genetics (formerly Invitae), Labcorp
Classification: Uncertain significance. Last evaluated: 2025-12-25. Review status: criteria provided, single submitter. Criteria: Invitae Variant Classification Sherloc (09022015). Collection method: clinical testing. Allele origin: germline.
Comment: This sequence change replaces alanine, which is neutral and non-polar, with serine, which is neutral and polar, at codon 637 of the IFT88 protein (p.Ala637Ser). This variant is present in population databases (rs143955467, gnomAD 0.04%). This variant has not been reported in the literature in individuals affected with IFT88-related conditions. ClinVar contains an entry for this variant (Variation ID: 1410316). Experimental studies and prediction algorithms are not available or were not evaluated, and the functional significance of this variant is currently unknown. In summary, the available evidence is currently insufficient to determine the role of this variant in disease. Therefore, it has been classified as a Variant of Uncertain Significance.

Ambry Genetics
Classification: Uncertain significance. Last evaluated: 2021-07-13. Review status: criteria provided, single submitter. Criteria: Ambry Variant Classification Scheme 2023. Collection method: clinical testing. Allele origin: germline.